The following is an entry in ClinVar:

ClinVar aggregate classification (germline): Benign/Likely benign. Review status: criteria provided, multiple submitters, no conflicts (2 of 4 stars). 10 submissions from 9 submitters: Benign (7); Likely benign (1). 2 of the submissions do not count toward it. Last evaluated 2026-02-04.

Conditions:
Fibromuscular dysplasia, multifocal. Identifiers: MedGen C5543412, MONDO:0859151, OMIM 619329.
Ehlers-Danlos syndrome, classic type, 1 (EDSCL1). Also called: Ehlers-Danlos syndrome, type 1; EHLERS-DANLOS SYNDROME, GRAVIS TYPE; EHLERS-DANLOS SYNDROME, SEVERE CLASSIC TYPE; Ehlers-Danlos Syndrome, Classic Type, COL5A1-Related; EDS I. Identifiers: MedGen C0268335, MONDO:0019567, OMIM 130000.

Allele frequency attached by ClinVar (database versions not stated): ESP Exome Variant Server 0.08627; 1000 Genomes Project 0.03874; 1000 Genomes Project 30x 0.04076; TOPMed 0.07666; gnomAD 0.07860.
gnomAD v4.1: 161,964 of 1,612,458 alleles (10%); highest among the groups gnomAD compares: Non-Finnish European, 12%; 9,320 homozygotes.

Submissions (10):

Labcorp Genetics (formerly Invitae), Labcorp
Classification: Benign for Ehlers-Danlos syndrome, classic type, 1. Last evaluated: 2026-02-04. Review status: criteria provided, single submitter. Criteria: Invitae Variant Classification Sherloc (09022015). Collection method: clinical testing. Allele origin: germline.

Blueprint Genetics
Classification: Benign. Last evaluated: 2024-11-27. Review status: criteria provided, single submitter. Criteria: ACMG Guidelines, 2015. Collection method: clinical testing. Allele origin: germline.

Women's Health and Genetics/Laboratory Corporation of America, LabCorp
Classification: Benign. Last evaluated: 2023-04-10. Review status: criteria provided, single submitter. Criteria: LabCorp Variant Classification Summary - May 2015. Collection method: clinical testing. Allele origin: germline.

Genome-Nilou Lab
Classification: Benign for Ehlers-Danlos syndrome, classic type, 1. Last evaluated: 2022-03-15. Review status: criteria provided, single submitter. Criteria: ACMG Guidelines, 2015. Collection method: clinical testing. Allele origin: germline. Affected: no.

Genome-Nilou Lab
Classification: Benign for Fibromuscular dysplasia, multifocal. Last evaluated: 2022-03-15. Review status: criteria provided, single submitter. Criteria: ACMG Guidelines, 2015. Collection method: clinical testing. Allele origin: germline. Affected: no.

GeneDx
Classification: Benign. Last evaluated: 2012-11-20. Review status: criteria provided, single submitter. Criteria: GeneDx Variant Classification (06012015). Collection method: clinical testing. Allele origin: germline. Affected: yes.
Comment: This variant is considered likely benign or benign based on one or more of the following criteria: it is a conservative change, it occurs at a poorly conserved position in the protein, it is predicted to be benign by multiple in silico algorithms, and/or has population frequency not consistent with disease.

Breakthrough Genomics
Classification: Likely benign. Review status: criteria provided, single submitter. Criteria: ACMG Guidelines, 2015. Collection method: not provided. Allele origin: germline. Inheritance: Autosomal dominant inheritance. Affected: yes.

PreventionGenetics, part of Exact Sciences
Classification: Benign. Review status: criteria provided, single submitter. Criteria: ACMG Guidelines, 2015. Collection method: clinical testing. Allele origin: germline.

Clinical Genetics DNA and cytogenetics Diagnostics Lab, Erasmus MC, Erasmus Medical Center
Classification: Benign. Review status: no assertion criteria provided. Collection method: clinical testing. Allele origin: germline. Affected: yes. Study: VKGL Data-share Consensus. Not counted in ClinVar's aggregate classification.

Genome Diagnostics Laboratory, Amsterdam University Medical Center
Classification: Benign. Review status: no assertion criteria provided. Collection method: clinical testing. Allele origin: germline. Affected: yes. Study: VKGL Data-share Consensus. Not counted in ClinVar's aggregate classification.

NM_000093.5(COL5A1):c.1569+15C>T

Gene: COL5A1 (collagen type V alpha 1 chain; plus strand). Cytogenetic location: 9q34.3.
Variant type: single nucleotide variant.
Coding change: c.1569+15C>T on transcript NM_000093.5 (MANE Select); 15 bases into the intron after coding-DNA position 1569, C replaced by T.
Molecular consequence: intron variant.
Genome position (GRCh38, 1-based): chr9:134,750,631, C>T. VCF-style: chr9-134750631-C-T. GRCh37 (hg19) VCF-style: chr9-137642477-C-T.
Other names: c.1569+15C>T (NM_001278074.1).
Identifiers: ClinVar variation 136861 (VCV000136861.19), dbSNP rs62574081, ClinGen allele CA290229.